The following is an entry in ClinVar:

ClinVar aggregate classification (germline): Uncertain significance (1 of 4 stars; one submission).

gnomAD v4.1: 5 of 1,612,430 alleles (0.00031%); highest among the groups gnomAD compares: Admixed American, 0.0033%; no homozygotes.

Submission:

Labcorp Genetics (formerly Invitae), Labcorp
Classification: Uncertain significance. Last evaluated: 2024-09-16. Review status: criteria provided, single submitter. Criteria: Invitae Variant Classification Sherloc (09022015). Collection method: clinical testing. Allele origin: germline.
Comment: This sequence change replaces glycine, which is neutral and non-polar, with aspartic acid, which is acidic and polar, at codon 39 of the WNT3 protein (p.Gly39Asp). This variant is present in population databases (rs747207186, gnomAD 0.008%). This variant has not been reported in the literature in individuals affected with WNT3-related conditions. Invitae Evidence Modeling of protein sequence and biophysical properties (such as structural, functional, and spatial information, amino acid conservation, physicochemical variation, residue mobility, and thermodynamic stability) indicates that this missense variant is not expected to disrupt WNT3 protein function with a negative predictive value of 80%. In summary, the available evidence is currently insufficient to determine the role of this variant in disease. Therefore, it has been classified as a Variant of Uncertain Significance.

NM_030753.5(WNT3):c.116G>A (p.Gly39Asp)

Genes: LRRC37A2 (leucine rich repeat containing 37 member A2), WNT3 (Wnt family member 3; minus strand). Cytogenetic location: 17q21.31.
Variant type: single nucleotide variant.
Coding change: c.116G>A on transcript NM_030753.5 (MANE Select); coding-DNA position 116, G replaced by A.
Protein change: p.Gly39Asp; replaces glycine 39 with aspartic acid.
Molecular consequence: missense variant.
Genome position (GRCh38, 1-based): chr17:46,773,874, C>T on the plus strand (G>A on the coding strand, the complement: WNT3 is on the minus strand). VCF-style: chr17-46773874-C-T. GRCh37 (hg19) VCF-style: chr17-44851240-C-T.
Other names: short protein forms G39D.
Identifiers: ClinVar variation 3671741 (VCV003671741.2).